The following is an entry in ClinVar:

ClinVar aggregate classification (germline): Likely benign. Review status: criteria provided, single submitter (1 of 4 stars). 2 submissions from 2 submitters: Likely benign (1). 1 of the submissions does not count toward it. Last evaluated 2026-01-25.

Conditions:
PLEC-related disorder. Also called: PLEC-related condition; PLEC-related disorders.
Autosomal recessive limb-girdle muscular dystrophy type 2Q (LGMDR17). Also called: MUSCULAR DYSTROPHY, LIMB-GIRDLE, AUTOSOMAL RECESSIVE 17. Identifiers: Orphanet 254361, MedGen C3150989, MONDO:0013390, OMIM 613723.
Epidermolysis bullosa simplex 5B, with muscular dystrophy (EBS5B). Also called: Epidermolysis bullosa simplex with muscular dystrophy; EPIDERMOLYSIS BULLOSA SIMPLEX AND LIMB-GIRDLE MUSCULAR DYSTROPHY. Identifiers: Orphanet 257, MedGen C2931072, MONDO:0009181, OMIM 226670.
Epidermolysis bullosa simplex with nail dystrophy (EBS5D). Identifiers: MedGen C4225309, MONDO:0014661, OMIM 616487.
Epidermolysis bullosa simplex, Ogna type (EBS5A). Also called: Pidermolysis bullosa simplex 5A, Ogna type; EPIDERMOLYSIS BULLOSA SIMPLEX 5A, OGNA TYPE. Identifiers: Orphanet 79401, MedGen C0432317, MONDO:0007555, OMIM 131950.
Epidermolysis bullosa simplex 5C, with pyloric atresia (EBS5C). Also called: PLEC1-Related Epidermolysis Bullosa with Pyloric Atresia; PLEC-Related Epidermolysis Bullosa with Pyloric Atresia; Epidermolysis bullosa simplex with pyloric atresia. Identifiers: Orphanet 158684, MedGen C2677349, MONDO:0012807, OMIM 612138.

Allele frequency attached by ClinVar (database versions not stated): gnomAD exomes 0.00002; ExAC 0.00003; gnomAD 0.00005; TOPMed 0.00005.
gnomAD v4.1: 41 of 1,613,022 alleles (0.0025%); highest among the groups gnomAD compares: African/African-American, 0.016%; no homozygotes.

Submissions (2):

Labcorp Genetics (formerly Invitae), Labcorp
Classification: Likely benign for Autosomal recessive limb-girdle muscular dystrophy type 2Q; Epidermolysis bullosa simplex, Ogna type; Epidermolysis bullosa simplex with nail dystrophy; Epidermolysis bullosa simplex 5C, with pyloric atresia; Epidermolysis bullosa simplex 5B, with muscular dystrophy. Last evaluated: 2026-01-25. Review status: criteria provided, single submitter. Criteria: Invitae Variant Classification Sherloc (09022015). Collection method: clinical testing. Allele origin: germline.

PreventionGenetics, part of Exact Sciences
Classification: Likely benign for PLEC-related condition. Last evaluated: 2020-10-27. Review status: no assertion criteria provided. Collection method: clinical testing. Allele origin: germline. Not counted in ClinVar's aggregate classification.
Comment: This variant is classified as likely benign based on ACMG/AMP sequence variant interpretation guidelines (Richards et al. 2015 PMID: 25741868, with internal and published modifications).

NM_201384.3(PLEC):c.8142C>T (p.Ala2714=)

Gene: PLEC (plectin; minus strand). Cytogenetic location: 8q24.3.
Variant type: single nucleotide variant.
Coding change: c.8142C>T on transcript NM_201384.3 (MANE Select); coding-DNA position 8142, C replaced by T.
Protein change: p.Ala2714=; no amino-acid change (alanine 2714 retained).
Molecular consequence: synonymous variant.
Genome position (GRCh38, 1-based): chr8:143,921,679, G>A on the plus strand (C>T on the coding strand, the complement: PLEC is on the minus strand). VCF-style: chr8-143921679-G-A. GRCh37 (hg19) VCF-style: chr8-144995847-G-A.
Other names: c.8223C>T, p.Ala2741= (NM_000445.5); c.4842C>T, p.Ala1614= (NM_001410941.1); c.8100C>T, p.Ala2700= (NM_201378.4); c.8076C>T, p.Ala2692= (NM_201379.3); c.8553C>T, p.Ala2851= (NM_201380.4); c.8046C>T, p.Ala2682= (NM_201381.3); c.8142C>T, p.Ala2714= (NM_201382.4); c.8154C>T, p.Ala2718= (NM_201383.3); and 1 more.
Identifiers: ClinVar variation 2059256 (VCV002059256.6), dbSNP rs782082427, ClinGen allele CA4925409.